The following is an entry in ClinVar:

NM_033004.4(NLRP1):c.1735A>G (p.Ile579Val)

Gene: NLRP1 (NLR family pyrin domain containing 1; minus strand). Cytogenetic location: 17p13.2.
Variant type: single nucleotide variant.
Coding change: c.1735A>G on transcript NM_033004.4 (MANE Select); coding-DNA position 1735, A replaced by G.
Protein change: p.Ile579Val; replaces isoleucine 579 with valine.
Molecular consequence: missense variant.
Genome position (GRCh38, 1-based): chr17:5,558,961, T>C on the plus strand (A>G on the coding strand, the complement: NLRP1 is on the minus strand). VCF-style: chr17-5558961-T-C. GRCh37 (hg19) VCF-style: chr17-5462281-T-C.
Other names: c.1735A>G, p.Ile579Val (NM_001033053.3, NM_014922.5, NM_033006.4 and 1 more transcripts); short protein forms I579V.
Identifiers: ClinVar variation 4752058 (VCV004752058.1).

ClinVar aggregate classification (germline): Uncertain significance (1 of 4 stars; one submission).

gnomAD v4.1: 1 of 1,614,192 alleles (0.000062%); highest among the groups gnomAD compares: Middle Eastern, 0.016%; no homozygotes.

Submission:

Labcorp Genetics (formerly Invitae), Labcorp
Classification: Uncertain significance. Last evaluated: 2025-06-15. Review status: criteria provided, single submitter. Criteria: Invitae Variant Classification Sherloc (09022015). Collection method: clinical testing. Allele origin: germline.
Comment: This sequence change replaces isoleucine, which is neutral and non-polar, with valine, which is neutral and non-polar, at codon 579 of the NLRP1 protein (p.Ile579Val). This variant is not present in population databases (gnomAD no frequency). This variant has not been reported in the literature in individuals affected with NLRP1-related conditions. An algorithm developed to predict the effect of missense changes on protein structure and function outputs the following: PolyPhen-2: "Benign". The valine amino acid residue is found in multiple mammalian species, which suggests that this missense change does not adversely affect protein function. In summary, the available evidence is currently insufficient to determine the role of this variant in disease. Therefore, it has been classified as a Variant of Uncertain Significance.